The following is an entry in ClinVar:

ClinVar aggregate classification (germline): Uncertain significance (1 of 4 stars; one submission).

Allele frequency attached by ClinVar (database versions not stated): gnomAD 0.00001; TOPMed 0.00001; gnomAD exomes 0.00002.

Submission:

Labcorp Genetics (formerly Invitae), Labcorp
Classification: Uncertain significance. Last evaluated: 2025-08-04. Review status: criteria provided, single submitter. Criteria: Invitae Variant Classification Sherloc (09022015). Collection method: clinical testing. Allele origin: germline.
Comment: This sequence change replaces lysine, which is basic and polar, with asparagine, which is neutral and polar, at codon 528 of the PLG protein (p.Lys528Asn). This variant is present in population databases (no rsID available, gnomAD 0.002%). This variant has not been reported in the literature in individuals affected with PLG-related conditions. ClinVar contains an entry for this variant (Variation ID: 2999728). Invitae Evidence Modeling of protein sequence and biophysical properties (such as structural, functional, and spatial information, amino acid conservation, physicochemical variation, residue mobility, and thermodynamic stability) indicates that this missense variant is not expected to disrupt PLG protein function with a negative predictive value of 80%. In summary, the available evidence is currently insufficient to determine the role of this variant in disease. Therefore, it has been classified as a Variant of Uncertain Significance.

NM_000301.5(PLG):c.1584A>T (p.Lys528Asn)

Gene: PLG (plasminogen; plus strand). Cytogenetic location: 6q26.
Variant type: single nucleotide variant.
Coding change: c.1584A>T on transcript NM_000301.5 (MANE Select); coding-DNA position 1584, A replaced by T.
Protein change: p.Lys528Asn; replaces lysine 528 with asparagine.
Molecular consequence: missense variant.
Genome position (GRCh38, 1-based): chr6:160,731,890, A>T. VCF-style: chr6-160731890-A-T. GRCh37 (hg19) VCF-style: chr6-161152922-A-T.
Other names: short protein forms K528N.
Identifiers: ClinVar variation 2999728 (VCV002999728.3), dbSNP rs1050635507, ClinGen allele CA151227655.